The following is an entry in ClinVar:

NM_012210.4(TRIM32):c.40C>T (p.Leu14Phe)

Genes: ASTN2 (astrotactin 2; minus strand), TRIM32 (tripartite motif containing 32; plus strand). Cytogenetic location: 9q33.1.
Variant type: single nucleotide variant.
Coding change: c.40C>T on transcript NM_012210.4 (MANE Select); coding-DNA position 40, C replaced by T.
Protein change: p.Leu14Phe; replaces leucine 14 with phenylalanine.
Molecular consequence: missense variant. On other transcripts: intron variant (3).
Genome position (GRCh38, 1-based): chr9:116,697,782, C>T. VCF-style: chr9-116697782-C-T. GRCh37 (hg19) VCF-style: chr9-119460061-C-T.
Other names: c.40C>T, p.Leu14Phe (NM_001099679.2, NM_001379048.1, NM_001379049.1 and 1 more transcripts); c.2653+27989G>A (NM_014010.5); c.2794+27989G>A (NM_001365069.1); c.2806+27989G>A (NM_001365068.1); short protein forms L14F.
Identifiers: ClinVar variation 934355 (VCV000934355.8), dbSNP rs756350336, ClinGen allele CA5210892.
Genomic context (GRCh38, chr9:116,697,782, plus strand): 5'-ATACCCTTCAAAGGAAGAGCAATGGCTGCAGCAGCAGCTTCTCACCTGAACCTGGATGCC[C>T]TCCGGGAAGTGCTAGAATGCCCCATCTGCATGGAGTCCTTCACAGAAGAGCAGCTGCGTC-3'
Protein context (NP_036342.2, residues 4-24): AAASHLNLDA[Leu14Phe]REVLECPICM

ClinVar aggregate classification (germline): Uncertain significance. Review status: criteria provided, multiple submitters, no conflicts (2 of 4 stars). 2 submissions from 2 submitters: Uncertain significance (2). Last evaluated 2022-05-21.

Conditions:
Bardet-Biedl syndrome (BBS). Identifiers: Orphanet 110, MedGen C0752166, MONDO:0015229.

Allele frequency attached by ClinVar (database versions not stated): gnomAD exomes below 0.00001; ExAC 0.00002.
gnomAD v4.1: 22 of 1,614,116 alleles (0.0014%); highest among the groups gnomAD compares: Non-Finnish European, 0.0018%; no homozygotes.

Submissions (2):

Labcorp Genetics (formerly Invitae), Labcorp
Classification: Uncertain significance for Bardet-Biedl syndrome. Last evaluated: 2022-05-21. Review status: criteria provided, single submitter. Criteria: Invitae Variant Classification Sherloc (09022015). Collection method: clinical testing. Allele origin: germline.
Comment: This sequence change replaces leucine, which is neutral and non-polar, with phenylalanine, which is neutral and non-polar, at codon 14 of the TRIM32 protein (p.Leu14Phe). This variant is present in population databases (rs756350336, gnomAD 0.0009%). This variant has not been reported in the literature in individuals affected with TRIM32-related conditions. ClinVar contains an entry for this variant (Variation ID: 934355). Algorithms developed to predict the effect of missense changes on protein structure and function are either unavailable or do not agree on the potential impact of this missense change (SIFT: "Deleterious"; PolyPhen-2: "Possibly Damaging"; Align-GVGD: "Class C0"). In summary, the available evidence is currently insufficient to determine the role of this variant in disease. Therefore, it has been classified as a Variant of Uncertain Significance.

Blueprint Genetics
Classification: Uncertain significance. Last evaluated: 2022-02-14. Review status: criteria provided, single submitter. Criteria: ACMG Guidelines, 2015. Collection method: clinical testing. Allele origin: germline.